The following is an entry in ClinVar:

ClinVar aggregate classification (germline): Uncertain significance (1 of 4 stars; one submission).

Allele frequency attached by ClinVar (database versions not stated): gnomAD 0.00001; gnomAD exomes 0.00001; TOPMed 0.00001.

Submission:

Labcorp Genetics (formerly Invitae), Labcorp
Classification: Uncertain significance. Last evaluated: 2025-06-17. Review status: criteria provided, single submitter. Criteria: Invitae Variant Classification Sherloc (09022015). Collection method: clinical testing. Allele origin: germline.
Comment: This sequence change replaces histidine, which is basic and polar, with arginine, which is basic and polar, at codon 178 of the DDX3X protein (p.His178Arg). This variant is not present in population databases (gnomAD no frequency). This variant has not been reported in the literature in individuals affected with DDX3X-related conditions. ClinVar contains an entry for this variant (Variation ID: 1444660). Experimental studies and prediction algorithms are not available or were not evaluated, and the functional significance of this variant is currently unknown. In summary, the available evidence is currently insufficient to determine the role of this variant in disease. Therefore, it has been classified as a Variant of Uncertain Significance.

NM_001356.5(DDX3X):c.533A>G (p.His178Arg)

Gene: DDX3X (DEAD-box helicase 3 X-linked; plus strand). Cytogenetic location: Xp11.4.
Variant type: single nucleotide variant.
Coding change: c.533A>G on transcript NM_001356.5 (MANE Select); coding-DNA position 533, A replaced by G.
Protein change: p.His178Arg; replaces histidine 178 with arginine.
Molecular consequence: missense variant. On other transcripts: 5 prime UTR variant (1), non-coding transcript variant (1).
Genome position (GRCh38, 1-based): chrX:41,342,826, A>G. VCF-style: chrX-41342826-A-G. GRCh37 (hg19) VCF-style: chrX-41202079-A-G.
Other names: c.533A>G, p.His178Arg (NM_001193416.3); c.485A>G, p.His162Arg (NM_001193417.3); c.-26A>G (NM_001363819.1); short protein forms H178R, H162R.
Identifiers: ClinVar variation 1444660 (VCV001444660.6), dbSNP rs997047370, ClinGen allele CA329019442.